The following is an entry in ClinVar:

NM_004656.4(BAP1):c.665_666del (p.Pro222fs)

Gene: BAP1 (BRCA1 associated deubiquitinase 1; minus strand). Cytogenetic location: 3p21.1.
Variant type: Deletion.
Coding change: c.665_666del on transcript NM_004656.4 (MANE Select); coding-DNA positions 665 to 666, 2 bases deleted (CC; older notation c.665_666delCC).
Protein change: p.Pro222fs; shifts the reading frame from proline 222.
Molecular consequence: frameshift variant. On other transcripts: intron variant (1).
Genome position (GRCh38, 1-based): chr3:52,406,370-52,406,371, GG deleted on the plus strand (CC on the coding strand, the reverse complement: BAP1 is on the minus strand); deleting any 2 consecutive bases within chr3:52,406,370-52,406,372 gives the same sequence; the c. name uses the placement nearest the transcript's 3' end. VCF-style (leftmost placement, unchanged base first): chr3-52406369-AGG-A. GRCh37 (hg19) VCF-style: chr3-52440385-AGG-A.
Other names: c.660-49_660-48del (NM_001410772.1); short protein forms P222fs.
Identifiers: ClinVar variation 3052998 (VCV003052998.2), dbSNP rs2471344251, ClinGen allele CA2740094458.

ClinVar aggregate classification (germline): Pathogenic (0 of 4 stars; one submission).

Conditions:
BAP1-related disorder. Also called: BAP1-related condition.

Submission:

PreventionGenetics, part of Exact Sciences
Classification: Pathogenic for BAP1-related condition. Last evaluated: 2023-10-18. Review status: no assertion criteria provided. Collection method: clinical testing. Allele origin: germline.
Comment: The BAP1 c.665_666delCC variant is predicted to result in a frameshift and premature protein termination (p.Pro222Leufs*20). To our knowledge, this variant has not been reported in the literature or in a large population database, indicating this variant is rare. Frameshift variants in BAP1 are expected to be pathogenic. This variant is interpreted as pathogenic.